The following is an entry in ClinVar:

NM_024426.6(WT1):c.1447+4C>T

Gene: WT1 (WT1 transcription factor; minus strand). Cytogenetic location: 11p13.
Variant type: single nucleotide variant.
Coding change: c.1447+4C>T on transcript NM_024426.6 (MANE Select); 4 bases into the intron after coding-DNA position 1447, C replaced by T.
Molecular consequence: intron variant.
Genome position (GRCh38, 1-based): chr11:32,391,968, G>A on the plus strand (C>T on the coding strand, the complement: WT1 is on the minus strand). VCF-style: chr11-32391968-G-A. GRCh37 (hg19) VCF-style: chr11-32413514-G-A.
Other names: 1432+4C>T; IVS9+4C>T; IVS9DS, C-T, +4; c.1273+4C>T (NM_001407050.1); c.1315+13C>T (NM_001407047.1); c.1306+4C>T (NM_001407048.1); c.1303+698C>T (NM_001407049.1); c.1387+13C>T (NM_000378.6); and 8 more.
Identifiers: ClinVar variation 3500 (VCV000003500.34), dbSNP rs587776577, ClinGen allele CA016600.

ClinVar aggregate classification (germline): Pathogenic/Likely pathogenic. Review status: criteria provided, multiple submitters, no conflicts (2 of 4 stars). 21 submissions from 20 submitters: Pathogenic (13); Likely pathogenic (3). 5 of the submissions do not count toward it. Last evaluated 2026-04-07.

Conditions:
WT1-related disorder. Also called: WT1-related disorders. Identifiers: MedGen CN377814.
Wilms tumor 1 (WT1). Also called: Wilms tumor, somatic. Identifiers: Orphanet 654, MedGen CN033288, MONDO:0008679, OMIM 194070.
11p partial monosomy syndrome (WAGR). Also called: CHROMOSOME 11p13 DELETION SYNDROME; WAGR Spectrum Disorder; WAGR syndrome; WAGR Complex. Identifiers: Orphanet 893, MedGen C0206115, MONDO:0008681, OMIM 194072.
Frasier syndrome. Identifiers: Orphanet 347, MedGen C0950122, MeSH D052159, MONDO:0007635, OMIM 136680.
Drash syndrome (DDS). Also called: WILMS TUMOR AND PSEUDO- OR TRUE HERMAPHRODITISM; NEPHROPATHY, WILMS TUMOR, AND GENITAL ANOMALIES. Identifiers: Orphanet 220, MedGen C0950121, MONDO:0008682, OMIM 194080.
Mesothelioma, malignant (MESOM). Also called: Malignant mesothelioma (disease). Identifiers: Orphanet 50251, MedGen C0345967, MONDO:0006292, OMIM 156240, HP:0100001.
Meacham syndrome. Also called: Meacham Winn Culler syndrome. Identifiers: Orphanet 3097, MedGen C1837026, MONDO:0012164, OMIM 608978.
Nephrotic syndrome, type 4 (NPHS4). Also called: Familial mesangial sclerosis; Nephrotic syndrome, early onset with diffuse mesangial sclerosis. Identifiers: Orphanet 656, MedGen C3151568, MONDO:0009733, OMIM 256370.
Nephrotic range proteinuria. Identifiers: MedGen C0445118, HP:0012593.
Leber congenital amaurosis 10 (LCA10). Identifiers: Orphanet 65, MedGen C1857821, MONDO:0012723, OMIM 611755.

Allele frequency attached by ClinVar (database versions not stated): gnomAD exomes below 0.00001.

Submissions 1 to 8 of 21:

PreventionGenetics, part of Exact Sciences
Classification: Pathogenic for WT1-related condition. Last evaluated: 2026-04-07. Review status: criteria provided, single submitter. Criteria: ACMG Guidelines, 2015. Collection method: clinical testing. Allele origin: germline.
Comment: The WT1 c.1432+4C>T variant is predicted to interfere with splicing. This variant has been well documented to be pathogenic for Frasier syndrome and steroid-resistant nephrotic syndrome with FSGS (Barbaux et al. 1997. PubMed ID: 9398852; Melo et al. 2002. PubMed ID: 12050205; Li et al. 2010. PubMed ID: 20442690; Lipska et al. 2013. PubMed ID: 23515051). This variant has not been reported in a large population database, indicating this variant is rare. This variant is interpreted as pathogenic.

Dasa
Classification: Pathogenic. Last evaluated: 2026-03-27. Review status: criteria provided, single submitter. Criteria: DASA Assertion Criteria. Collection method: clinical testing. Allele origin: germline.
Comment: NM_024426.6(WT1):c.1447+4C>T introduces a premature termination codon predicted to result in loss of normal protein function. Loss-of-function is an established mechanism of disease for this gene. De novo occurrence has been reported in an individual with related phenotype. Functional evidence supports a deleterious effect on the gene or gene product (PMID: 9499425; PMID: 29668062; PMID: 9398852). This variant has been recurrently observed in individuals with related phenotype (PMID: 9499425; PMID: 29668062; PMID: 9398852). Multiple computational predictions support a deleterious effect on the gene or gene product. The variant is present at low frequency in population datasets. Based on the available data, this variant is classified as pathogenic.

Labcorp Genetics (formerly Invitae), Labcorp
Classification: Pathogenic for Wilms tumor 1; Drash syndrome; 11p partial monosomy syndrome; Frasier syndrome. Last evaluated: 2025-11-28. Review status: criteria provided, single submitter. Criteria: Invitae Variant Classification Sherloc (09022015). Collection method: clinical testing. Allele origin: germline.
Comment: This sequence change falls in intron 9 of the WT1 gene. It does not directly change the encoded amino acid sequence of the WT1 protein. RNA analysis indicates that this variant induces altered splicing and likely results in the loss of 3 amino acid residue(s), but is expected to preserve the integrity of the reading-frame. This variant is not present in population databases (gnomAD no frequency). This variant has been observed in individual(s) with WT1-related disorders (PMID: 9398852, 9499425, 29668062). In at least one individual the variant was observed to be de novo. This variant is also known as IVS9+4C>T. ClinVar contains an entry for this variant (Variation ID: 3500). Variants that disrupt the consensus splice site are a relatively common cause of aberrant splicing (PMID: 17576681, 9536098). Studies have shown that this variant results in the activation of a cryptic splice site in exon 9 (PMID: 9398852, 12050205). For these reasons, this variant has been classified as Pathogenic.

3billion
Classification: Pathogenic for Nephrotic syndrome, type 4. Last evaluated: 2025-09-26. Review status: criteria provided, single submitter. Criteria: ACMG Guidelines, 2015. Collection method: clinical testing. Allele origin: germline. Affected: yes.
Comment: The variant is observed at an extremely low frequency in the gnomAD v4.1.0 dataset (total allele frequency: <0.001%). Predicted Consequence/Location: Intron variant: previously reported to alter splicing and result in a loss of normal protein function through nonsense-mediated decay (NMD) or protein truncation (PMID: 29668062). In silico tools predict the variant to alter splicing and produce an abnormal transcript [SpliceAI: 0.50 (spliceogenicity >=0.2, non-spliceogenicity <0.1)]. Intron variant: previously reported to alter splicing and result in a loss of normal protein function through nonsense-mediated decay (NMD) or protein truncation (PMID: 29668062). Therefore, this variant is classified as Pathogenic according to the recommendation of ACMG/AMP guideline.

Genomic Medicine Center of Excellence, King Faisal Specialist Hospital and Research Centre
Classification: Pathogenic for Leber congenital amaurosis 10. Last evaluated: 2025-09-10. Review status: criteria provided, single submitter. Criteria: ACMG Guidelines, 2015. Collection method: clinical testing. Allele origin: germline.

Victorian Clinical Genetics Services, Murdoch Childrens Research Institute
Classification: Pathogenic for Frasier syndrome. Last evaluated: 2024-10-09. Review status: criteria provided, single submitter. Criteria: ACMG Guidelines, 2015. Collection method: clinical testing. Allele origin: germline. Inheritance: Autosomal dominant inheritance. Affected: yes.
Comment: Based on the classification scheme VCGS_Germline_v1.3.4, this variant is classified as Pathogenic. Following criteria are met: 0103 - Dominant negative is a known mechanism of disease in this gene and is associated with Denys-Drash syndrome (MIM#194080); Frasier syndrome (MIM#136680); Meacham syndrome (MIM#608978) and Nephrotic syndrome, type 4 (MIM#256370) (PMID: 32352694). Loss of function is a known mechanism of disease in this gene and is associated with Wilms tumour, type 1 (MIM#194070). (I) 0107 - This gene is associated with autosomal dominant disease. (I) 0209 - Splice site variant proven to affect splicing of the transcript with uncertain effect on protein sequence. RT-PCR of total RNA obtained from patients' samples indicated an increase in KTS- transcripts. This is suggestive of an increased use of an alternative splice site, which results in the loss of three amino acids (PMID: 9398852, 12050205). (SP) 0251 - This variant is heterozygous. (I) 0301 - Variant is absent from gnomAD (both v2 and v3). (SP) 0505 - Abnormal splicing is predicted by in silico tools and affected nucleotide is highly conserved. (SP) 0801 - This variant has strong previous evidence of pathogenicity in unrelated individuals. This variant has been classified as likely pathogenic and pathogenic by multiple clinical laboratories in ClinVar. This variant has also been observed as a de novo or inherited variant in multiple individuals with Frasier syndrome (PMID: 9398852, 12050205, 30655312). (SP) 1208 - Inheritance information for this variant is not currently available in this individual. (I) Legend: (SP) - Supporting pathogenic, (I) - Information, (SB) - Supporting benign

Fulgent Genetics
Classification: Pathogenic for Frasier syndrome; Mesothelioma, malignant; Wilms tumor 1; Drash syndrome; Nephrotic syndrome, type 4; Meacham syndrome. Last evaluated: 2024-02-21. Review status: criteria provided, single submitter. Criteria: ACMG Guidelines, 2015. Collection method: clinical testing. Allele origin: germline.

All of Us Research Program, National Institutes of Health
Classification: Likely pathogenic for Wilms tumor 1. Last evaluated: 2023-12-18. Review status: criteria provided, single submitter. Criteria: ACMG Guidelines, 2015. Collection method: clinical testing. Allele origin: germline. Inheritance: Autosomal dominant inheritance. Observed: 1 variant allele, 1 heterozygote.
Comment: This variant substitutes a C nucleotide with a T nucleotide in the +4 position of the intron 9 splice donor site in the WT1 gene. This variant is also known as c.1447+4C>T and IVS9+4C>T in the literature. RNA studies have found that this variant results in the increased splicing at an alternative donor site in exon 9, resulting in the deletion of the last nine nucleotides of exon 9 and the in-frame deletion of lysine (K), threonine (T) and serine (S) located in between zinc fingers 3 and 4 in the WT1 protein (PMID: 10792605, 34622098). Altered ratio between the two WT1 isoforms with and without the KTS motif are associated with Frasier syndrome (PMID: 9499425, 10561752). This variant has been reported in over 60 individuals affected with Frasier syndromes (PMID: 9398852, 9499425, 10094551, 10505699, 10670748, 10792605, 11007843, 12050205, 22908070, 25623218, 29668062, 34622098, 35211794, 36980135) and related clinical features (PMID: 9529364, 20442690, 23515051, 24161391, 30655312) and three individuals affected with Denys-Drash syndrome (PMID: 9475094). Among individuals diagnosed with Frasier syndrome at least one was affected with Wilms tumor and 19 individuals were affected with gonadal tumors (PMID: 10094551, 22908070, 25623218, 34622098). This variant has not been identified in the general population by the Genome Aggregation Database (gnomAD). Based on the available evidence, this variant is classified as Likely Pathogenic.

This study involves interpretation of variants in research participants for the purpose of population health screening. Participant phenotype was not available at the time of variant classification. Additional details can be found in publication PMID: 35346344, PMCID: PMC8962531